The following is an entry in ClinVar:

NM_004304.5(ALK):c.3788G>C (p.Gly1263Ala)

Gene: ALK (ALK receptor tyrosine kinase; minus strand). Cytogenetic location: 2p23.2.
Variant type: single nucleotide variant.
Coding change: c.3788G>C on transcript NM_004304.5 (MANE Select); coding-DNA position 3788, G replaced by C.
Protein change: p.Gly1263Ala; replaces glycine 1263 with alanine.
Molecular consequence: missense variant.
Genome position (GRCh38, 1-based): chr2:29,209,834, C>G on the plus strand (G>C on the coding strand, the complement: ALK is on the minus strand). VCF-style: chr2-29209834-C-G. GRCh37 (hg19) VCF-style: chr2-29432700-C-G.
Other names: c.584G>C, p.Gly195Ala (NM_001353765.2); short protein forms G1263A, G195A.
Identifiers: ClinVar variation 4039635 (VCV004039635.1).

ClinVar aggregate classification (germline): Uncertain significance (1 of 4 stars; one submission).

Conditions:
Hereditary cancer-predisposing syndrome. Also called: Neoplastic Syndromes, Hereditary; Tumor predisposition; Hereditary neoplastic syndrome; Hereditary Cancer Syndrome. Identifiers: Orphanet 140162, MedGen C0027672, MeSH D009386, MONDO:0015356.

Submission:

Ambry Genetics
Classification: Uncertain significance for Hereditary cancer-predisposing syndrome. Last evaluated: 2025-05-16. Review status: criteria provided, single submitter. Criteria: Ambry Variant Classification Scheme 2023. Collection method: clinical testing. Allele origin: germline.
Comment: The p.G1263A variant (also known as c.3788G>C), located in coding exon 25 of the ALK gene, results from a G to C substitution at nucleotide position 3788. The glycine at codon 1263 is replaced by alanine, an amino acid with similar properties. This amino acid position is conserved. In addition, the in silico prediction for this alteration is inconclusive. Based on the available evidence, the clinical significance of this variant remains unclear.